The following is an entry in ClinVar:

ClinVar aggregate classification (germline): Pathogenic/Likely pathogenic. Review status: criteria provided, multiple submitters, no conflicts (2 of 4 stars). 25 submissions from 24 submitters: Pathogenic (20); Likely pathogenic (2). 3 of the submissions do not count toward it. Last evaluated 2026-02-01.

Conditions:
Mitochondrial complex 2 deficiency, nuclear type 4. Also called: MITOCHONDRIAL COMPLEX II DEFICIENCY, NUCLEAR TYPE 4. Identifiers: MedGen C5543176, MONDO:0030974, OMIM 619224.
Pheochromocytoma/paraganglioma syndrome 4. Also called: SDHB-Related Hereditary Paraganglioma-Pheochromocytoma Syndrome; CAROTID BODY TUMORS AND MULTIPLE EXTRAADRENAL PHEOCHROMOCYTOMAS; Paragangliomas 4; PARAGANGLIOMA, FAMILIAL MALIGNANT; PARAGANGLIOMAS, HEREDITARY EXTRAADRENAL; PHEOCHROMOCYTOMA, FAMILIAL EXTRAADRENAL. Identifiers: Orphanet 29072, MedGen C1861848, MONDO:0007273, OMIM 115310.
Gastrointestinal stromal tumor. Also called: Gastrointestinal stroma tumor; Gastrointestinal stromal tumor, somatic. Identifiers: Orphanet 44890, MedGen C0238198, MeSH D046152, MONDO:0011719, OMIM 606764, HP:0100723.
Pheochromocytoma. Also called: MAX-Related Hereditary Paraganglioma-Pheochromocytoma Syndrome. Identifiers: Orphanet 29072, MedGen C0031511, MONDO:0008233, OMIM 171300, HP:0002666.
SDHB-related disorder. Also called: SDHB-related condition; SDHB-related disorders. Identifiers: MedGen CN239418.
Hereditary cancer-predisposing syndrome. Also called: Hereditary neoplastic syndrome; Hereditary Cancer Syndrome; Neoplastic Syndromes, Hereditary; Tumor predisposition. Identifiers: Orphanet 140162, MedGen C0027672, MeSH D009386, MONDO:0015356.
Hereditary pheochromocytoma and paraganglioma. Also called: Hereditary pheochromocytoma-paraganglioma; Hereditary paragangliomas and pheochromocytomas; Hereditary Paraganglioma-Pheochromocytoma Syndromes. Identifiers: Orphanet 29072, MedGen C4274332, MONDO:0017366.

Allele frequency attached by ClinVar (database versions not stated): ExAC 0.00002; gnomAD 0.00001; gnomAD exomes 0.00001; TOPMed 0.00001.
gnomAD v4.1: 18 of 1,613,846 alleles (0.0011%); highest among the groups gnomAD compares: African/African-American, 0.004%; no homozygotes.

Submissions 1 to 5 of 25:

Labcorp Genetics (formerly Invitae), Labcorp
Classification: Pathogenic for Gastrointestinal stromal tumor; Pheochromocytoma/paraganglioma syndrome 4; Pheochromocytoma. Last evaluated: 2026-02-01. Review status: criteria provided, single submitter. Criteria: Invitae Variant Classification Sherloc (09022015). Collection method: clinical testing. Allele origin: germline.
Comment: This sequence change replaces arginine, which is basic and polar, with histidine, which is basic and polar, at codon 242 of the SDHB protein (p.Arg242His). This variant is present in population databases (rs74315368, gnomAD 0.007%). This missense change has been observed in individuals with sporadic and familial hereditary paragangliomas and/or pheochromocytomas (PMID: 12000816, 12213855, 17102084, 20208144, 21173220, 22270996, 24276837, 25736212). ClinVar contains an entry for this variant (Variation ID: 12781). Invitae Evidence Modeling of protein sequence and biophysical properties (such as structural, functional, and spatial information, amino acid conservation, physicochemical variation, residue mobility, and thermodynamic stability) indicates that this missense variant is expected to disrupt SDHB protein function with a positive predictive value of 80%. Experimental studies have shown that this missense change affects SDHB function (PMID: 22835832, 25736212, 25972245). This variant disrupts the p.Arg242 amino acid residue in SDHB. Other variant(s) that disrupt this residue have been determined to be pathogenic (internal data). This suggests that this residue is clinically significant, and that variants that disrupt this residue are likely to be disease-causing. For these reasons, this variant has been classified as Pathogenic.

PreventionGenetics, part of Exact Sciences
Classification: Pathogenic for SDHB-related condition. Last evaluated: 2025-12-18. Review status: criteria provided, single submitter. Criteria: ACMG Guidelines, 2015. Collection method: clinical testing. Allele origin: germline.
Comment: The SDHB c.725G>A variant is predicted to result in the amino acid substitution p.Arg242His. This variant has been reported in multiple unrelated individuals with paragangliomas (PGL) and/or pheochromocytomas (PH) (Rattenberry et al. 2013. PubMed ID: 23666964; Muth et al. 2012. PubMed ID: 22270996). It has also been reported along with a second variant in MT-CYB in an individual with clinical features suggestive of mitochondrial encephalomyopathy with stroke-like episodes (MELAS-like syndrome) (Nesti et al. 2015. PubMed ID: 25736212). In one functional study, this variant increased SDHB ubiquitination, indicative of protein instability (Yang et al. 2012. PubMed ID: 22835832). Other functional studies demonstrate destabilized SDH structure and subunit assembly (Nesti et al. 2015. PubMed ID: 25736212; Kim et al. 2015. PubMed ID: 25972245). This variant is reported in 0.0062% of alleles in individuals of Africa descent of in gnomAD and is interpreted as pathogenic and likely pathogenic in ClinVar (Variation ID: 12781). Alternate missense changes at this same amino acid position (p.Arg242Ser and p.Arg242Cys) have been reported in individuals with PGL and PH (Table S1, Neumann et al. 2009. PubMed ID: 19351833; Lefebvre et al. 2012. PubMed ID: 22517554).This variant is interpreted as pathogenic.

Ambry Genetics
Classification: Pathogenic for Hereditary cancer-predisposing syndrome. Last evaluated: 2025-08-29. Review status: criteria provided, single submitter. Criteria: Ambry Variant Classification Scheme 2023. Collection method: clinical testing. Allele origin: germline.
Comment: The c.725G>A (p.R242H) alteration is located in coding exon 7 of the SDHB gene. This alteration results from a G to A substitution at nucleotide position 725, causing the arginine (R) at amino acid position 242 to be replaced by a histidine (H). Based on data from gnomAD, the A allele has an overall frequency of 0.001% (3/251440) total alleles studied. The highest observed frequency was 0.006% (1/16256) of African alleles. The p.R242H mutation has been well described in published literature. It has been identified in numerous individuals with tumors across the paraganglioma-pheochromocytoma (PGL-PCC) syndrome spectrum, including thoracic, pelvic, and head and neck PGL, adrenal PCC, and renal cell carcinoma (Neumann, 2004; Ghayee, 2009; Luiz, 2013; Persu, 2008; Burnichon, 2009; Merlo, 2013; Rattenberry, 2013; van Hulsteijn, 2014; Janssen, 2015; Gill, 2014). Of note, two different alterations at the same codon, p.R242C and p.R242S, have also been reported in patients with head/neck PGLs and PCCs (Panizza, 2013; Neumann, 2009; Lefebvre, 2012; Badenhop, 2004). This amino acid position is highly conserved in available vertebrate species. Structural analysis suggested that this mutation alters the conformation of the protein, causing a decrease in the positive surface extent of the mutant protein (Nesti, 2015). Additionally, structural modeling of this mutation has predicted disruption of the electron path and impaired functional activity (Kim, 2015). Mutant yeast strains with this mutation showed a significant defect (Nesti, 2015). This alteration is predicted to be deleterious by in silico analysis. Based on the available evidence, this alteration is classified as pathogenic.

Color Diagnostics, LLC DBA Color Health
Classification: Pathogenic for Hereditary pheochromocytoma and paraganglioma. Last evaluated: 2024-10-07. Review status: criteria provided, single submitter. Criteria: ACMG Guidelines, 2015. Collection method: clinical testing. Allele origin: germline.
Comment: This missense variant replaces arginine with histidine at codon 242 of the SDHB protein. Computational prediction suggests that this variant may have deleterious impact on protein structure and function. Experimental functional studies have demonstrated the variant decreased succinate dehydrogenase enzyme activity and altered the conformation of the SDHB protein, lowering it protein stability (PMID: 22835832, 25736212, 25972245). This variant has been reported in numerous individuals affected with paraganglioma and pheochromocytoma (PMID: 12000816, 12213855, 15328326, 18551016, 19075037, 19351833, 19454582, 20208144, 22270996, 23666964, 23902947, 24276837, 25047027, 25873086, 28490599, 29386252, 29951630). This variant has been identified in 3/251440 chromosomes in the general population by the Genome Aggregation Database (gnomAD). Based on the available evidence, this variant is classified as Pathogenic.

Rady Children's Institute for Genomic Medicine, Rady Children's Hospital San Diego
Classification: Pathogenic for SDHB-related disorders. Last evaluated: 2024-08-14. Review status: criteria provided, single submitter. Criteria: ACMG Guidelines, 2015. Collection method: clinical testing. Allele origin: germline. Affected: yes.
Comment: The c.725G>A (p.Arg242His) variant affects a highly conserved amino acid and is predicted by multiple in silico tools to have a deleterious effect on protein function. This variant has been previously reported as a heterozygous change in patients with hereditary paraganglioma-pheochromocytoma syndromes (PMID: 12000816, 12213855, 20208144, 21173220, 24276837, 25736212). The c.725G>A (p.Arg242His) variant is located in a mutational hotspot for pathogenic variations associated with hereditary paraganglioma-pheochromocytoma syndromes (PMID: 23175444, 15235042). Functional studies demonstrated that the c.725G>A (p.Arg242His) variant results in decreased stability of the SDHB protein and a severe decrease in succinate dehydrogenase activity (PMID: 25972245, 22835832, 25736212).The c.725G>A (p.Arg242His) variant is present in the latest version of the gnomAD population database at an allele frequency of 0.001% (18/1613846) and thus is presumed to be rare. Based on the available evidence, c.725G>A (p.Arg242His) is classified as Pathogenic.

NM_003000.3(SDHB):c.725G>A (p.Arg242His)

Gene: SDHB (succinate dehydrogenase complex iron sulfur subunit B; minus strand). Cytogenetic location: 1p36.13.
Variant type: single nucleotide variant.
Coding change: c.725G>A on transcript NM_003000.3 (MANE Select); coding-DNA position 725, G replaced by A.
Protein change: p.Arg242His; replaces arginine 242 with histidine.
Molecular consequence: missense variant.
Genome position (GRCh38, 1-based): chr1:17,022,648, C>T on the plus strand (G>A on the coding strand, the complement: SDHB is on the minus strand). VCF-style: chr1-17022648-C-T. GRCh37 (hg19) VCF-style: chr1-17349143-C-T.
Other names: p.R242H:CGC>CAC; short protein forms R242H.
Identifiers: ClinVar variation 12781 (VCV000012781.72), dbSNP rs74315368, ClinGen allele CA016163.